The following is an entry in ClinVar:

NM_001366102.1(TDRD12):c.903T>A (p.Asp301Glu)

Gene: TDRD12 (tudor domain containing 12; plus strand). Cytogenetic location: 19q13.11.
Variant type: single nucleotide variant.
Coding change: c.903T>A on transcript NM_001366102.1 (MANE Select); coding-DNA position 903, T replaced by A.
Protein change: p.Asp301Glu; replaces aspartic acid 301 with glutamic acid.
Molecular consequence: missense variant.
Genome position (GRCh38, 1-based): chr19:32,772,790, T>A. VCF-style: chr19-32772790-T-A. GRCh37 (hg19) VCF-style: chr19-33263696-T-A.
Other names: c.903T>A, p.Asp301Glu (NM_001110822.2); c.903T>A (NM_001110822.1); short protein forms D301E.
Identifiers: ClinVar variation 2649686 (VCV002649686.25), dbSNP rs781292950, ClinGen allele CA9358106.

ClinVar aggregate classification (germline): Conflicting classifications of pathogenicity. Review status: criteria provided, conflicting classifications (1 of 4 stars). 2 submissions from 2 submitters: Uncertain significance (1); Likely benign (1). Last evaluated 2025-08-26.

Allele frequency attached by ClinVar (database versions not stated): ExAC 0.00005.
gnomAD v4.1: 18 of 1,517,590 alleles (0.0012%); highest among the groups gnomAD compares: Non-Finnish European, 0.0015%; no homozygotes.

Submissions (2):

Ambry Genetics
Classification: Uncertain significance. Last evaluated: 2025-08-26. Review status: criteria provided, single submitter. Criteria: Ambry Variant Classification Scheme 2023. Collection method: clinical testing. Allele origin: germline.

CeGaT Center for Human Genetics Tuebingen
Classification: Likely benign. Last evaluated: 2022-03-01. Review status: criteria provided, single submitter. Criteria: CeGaT Center For Human Genetics Tuebingen Variant Classification Criteria Version 2. Collection method: clinical testing. Allele origin: germline. Affected: yes. Observed: 1 variant allele.
Comment: TDRD12: BP4